The following is an entry in ClinVar:

ClinVar aggregate classification (germline): Uncertain significance (1 of 4 stars; one submission).

Conditions:
Smith-Magenis syndrome (SMS). Also called: CHROMOSOME 17p11.2 DELETION SYNDROME. Identifiers: Orphanet 819, MedGen C0795864, MONDO:0008434, OMIM 182290.

Allele frequency attached by ClinVar (database versions not stated): gnomAD exomes 0.00001.
gnomAD v4.1: 10 of 1,612,600 alleles (0.00062%); highest among the groups gnomAD compares: Non-Finnish European, 0.00085%; no homozygotes.

Submission:

Victorian Clinical Genetics Services, Murdoch Childrens Research Institute
Classification: Uncertain significance for Smith-Magenis syndrome. Last evaluated: 2022-09-02. Review status: criteria provided, single submitter. Criteria: ACMG Guidelines, 2015. Collection method: clinical testing. Allele origin: germline. Inheritance: Autosomal dominant inheritance. Affected: yes.
Comment: Based on the classification scheme VCGS_Germline_v1.3.4, this variant is classified as VUS-3C. Following criteria are met: 0102 - Loss of function is a known mechanism of disease in this gene and is associated with Smith-Magenis syndrome (MIM#182290). (I) 0107 - This gene is associated with autosomal dominant disease. (I) 0200 - Variant is predicted to result in a missense amino acid change from alanine to glycine. (I) 0251 - This variant is heterozygous. (I) 0301 - Variant is absent from gnomAD (both v2 and v3). (SP) 0503 - Missense variant consistently predicted to be tolerated by multiple in silico tools or not conserved in placental mammals with a minor amino acid change. (SB) 0604 - Variant is not located in an established domain, motif, hotspot or informative constraint region. (I) 0705 - No comparable missense variants have previous evidence for pathogenicity. (I) 0807 - This variant has no previous evidence of pathogenicity. (I) 0905 - No published segregation evidence has been identified for this variant. (I) 1007 - No published functional evidence has been identified for this variant. (I) 1208 - Inheritance information for this variant is not currently available in this individual. (I) Legend: (SP) - Supporting pathogenic, (I) - Information, (SB) - Supporting benign

NM_030665.4(RAI1):c.4415C>G (p.Ala1472Gly)

Gene: RAI1 (retinoic acid induced 1; plus strand). Cytogenetic location: 17p11.2.
Variant type: single nucleotide variant.
Coding change: c.4415C>G on transcript NM_030665.4 (MANE Select); coding-DNA position 4415, C replaced by G.
Protein change: p.Ala1472Gly; replaces alanine 1472 with glycine.
Molecular consequence: missense variant.
Genome position (GRCh38, 1-based): chr17:17,797,363, C>G. VCF-style: chr17-17797363-C-G. GRCh37 (hg19) VCF-style: chr17-17700677-C-G.
Other names: short protein forms A1472G.
Identifiers: ClinVar variation 1806004 (VCV001806004.1), dbSNP rs975859256, ClinGen allele CA288371184.
Genomic context (GRCh38, chr17:17,797,363, plus strand): 5'-GGGCAGGGGCCCATGGACTCTCCAAAGGCCCGCTGGAGAAGCGGCCCTATCTTGGCCCGG[C>G]TCTGCTCCTGACTCCCCGAGACAGGGCCAGTGGCACACAAGGGGCCAGTGAGGACAACTC-3'
Protein context (NP_109590.3, residues 1462-1482): PLEKRPYLGP[Ala1472Gly]LLLTPRDRAS